The following is an entry in ClinVar:

ClinVar aggregate classification (germline): Pathogenic/Likely pathogenic. Review status: criteria provided, multiple submitters, no conflicts (2 of 4 stars). 9 submissions from 9 submitters: Pathogenic (7); Likely pathogenic (1). 1 of the submissions does not count toward it. Last evaluated 2026-01-12.

Conditions:
Inborn genetic diseases. Identifiers: MedGen C0950123, MeSH D030342.
DHCR7-related disorder. Also called: DHCR7-related condition.
Smith-Lemli-Opitz syndrome (SLOS). Also called: 7-Dehydrocholesterol reductase deficiency; LETHAL ACRODYSGENITAL SYNDROME; POLYDACTYLY, SEX REVERSAL, RENAL HYPOPLASIA, AND UNILOBAR LUNG; RSH SYNDROME; RUTLEDGE LETHAL MULTIPLE CONGENITAL ANOMALY SYNDROME. Identifiers: Orphanet 818, MedGen C0175694, MONDO:0010035, OMIM 270400.

Allele frequency attached by ClinVar (database versions not stated): gnomAD 0.00001 and 0.00002; gnomAD exomes 0.00004; ExAC 0.00005; TOPMed 0.00006; ESP Exome Variant Server 0.00008.
gnomAD v4.1: 23 of 1,612,982 alleles (0.0014%); highest among the groups gnomAD compares: Admixed American, 0.0067%; no homozygotes.

Submissions (9):

Labcorp Genetics (formerly Invitae), Labcorp
Classification: Pathogenic for Smith-Lemli-Opitz syndrome. Last evaluated: 2026-01-12. Review status: criteria provided, single submitter. Criteria: Invitae Variant Classification Sherloc (09022015). Collection method: clinical testing. Allele origin: germline.
Comment: This sequence change creates a premature translational stop signal (p.Gln98*) in the DHCR7 gene. It is expected to result in an absent or disrupted protein product. Loss-of-function variants in DHCR7 are known to be pathogenic (PMID: 9634533, 10677299). This variant is present in population databases (rs104886039, gnomAD 0.009%). This premature translational stop signal has been observed in individual(s) with Smith–Lemli–Opitz syndrome (PMID: 15776424, 15805162, 15979035, 22929031). In at least one individual the data is consistent with being in trans (on the opposite chromosome) from a pathogenic variant. ClinVar contains an entry for this variant (Variation ID: 188723). For these reasons, this variant has been classified as Pathogenic.

Natera, Inc.
Classification: Pathogenic for Smith-Lemli-Opitz syndrome. Last evaluated: 2025-11-12. Review status: criteria provided, single submitter. Criteria: Natera Variant Classification Schema (03/2026). Collection method: clinical testing. Allele origin: germline.
Comment: The c.292C>T variant in DHCR7 is a nonsense variant predicted to introduce a stop codon at amino acid 98. This variant is expected to result in nonsense mediated decay, truncation, or a dysfunctional protein product. This variant is rare in the general population with a frequency below the threshold expected for the associated phenotype(s). This variant has been observed in one or more individuals affected with the associated recessive disease, as either homozygous or compound heterozygous with a second variant (PMID: 15776424). Given the available evidence, this variant is classified as Pathogenic.

Ambry Genetics
Classification: Pathogenic for Inborn genetic diseases. Last evaluated: 2025-03-17. Review status: criteria provided, single submitter. Criteria: Ambry Variant Classification Scheme 2023. Collection method: clinical testing. Allele origin: germline.
Comment: The c.292C>T (p.Q98*) alteration, located in exon 4 (coding exon 2) of the DHCR7 gene, consists of a C to T substitution at nucleotide position 292. This changes the amino acid from a glutamine (Q) to a stop codon at amino acid position 98. This alteration is expected to result in loss of function by premature protein truncation or nonsense-mediated mRNA decay. Based on data from gnomAD, the T allele has an overall frequency of 0.004% (10/280532) total alleles studied. The highest observed frequency was 0.011% (4/35266) of Latino alleles. This variant has been identified in conjunction with other DHCR7 variants in individuals with features consistent with Smith-Lemli-Opitz syndrome; in at least one instance, the variants were identified in trans (Eroglu, 2017; Lanthaler, 2013; Correa-Cerro, 2005; Cardoso, 2005; Witsch-Baumgartner, 2005). Based on the available evidence, this alteration is classified as pathogenic.

Blueprint Genetics
Classification: Likely pathogenic for DHCR7-related disorders. Last evaluated: 2023-03-03. Review status: criteria provided, single submitter. Criteria: ACMG Guidelines, 2015. Collection method: clinical testing. Allele origin: germline. Affected: yes. Observed: 1 variant allele.

Fulgent Genetics
Classification: Pathogenic for Smith-Lemli-Opitz syndrome. Last evaluated: 2021-11-01. Review status: criteria provided, single submitter. Criteria: ACMG Guidelines, 2015. Collection method: clinical testing. Allele origin: unknown.

GeneDx
Classification: Pathogenic. Last evaluated: 2021-09-23. Review status: criteria provided, single submitter. Criteria: GeneDx Variant Classification Process June 2021. Collection method: clinical testing. Allele origin: germline. Affected: yes.
Comment: Nonsense variant predicted to result in protein truncation or nonsense mediated decay in a gene for which loss-of-function is a known mechanism of disease; Not observed at significant frequency in large population cohorts (gnomAD); This variant is associated with the following publications: (PMID: 28166604, 25525159, 15805162, 25405082, 15776424, 15979035, 28349652, 24500076, 21990131, 22929031, 31589614)

Eurofins Ntd Llc (ga)
Classification: Pathogenic. Last evaluated: 2018-06-19. Review status: criteria provided, single submitter. Criteria: EGL ClinVar v180209 classification definitions. Collection method: clinical testing. Allele origin: germline. Observed: 1 variant allele, 1 heterozygote.

Women's Health and Genetics/Laboratory Corporation of America, LabCorp
Classification: Pathogenic for Smith-Lemli-Opitz syndrome. Last evaluated: 2018-04-27. Review status: criteria provided, single submitter. Criteria: LabCorp Variant Classification Summary - May 2015. Collection method: clinical testing. Allele origin: germline.
Comment: Variant summary: DHCR7 c.292C>T (p.Gln98X) results in a premature termination codon, predicted to cause a truncation of the encoded protein or absence of the protein due to nonsense mediated decay, which are commonly known mechanisms for disease. The variant was observed with an allele frequency of 3.3e-05 in 274916 control chromosomes (gnomAD and publications). This frequency is not higher than expected for a pathogenic variant in DHCR7 causing Smith-Lemli-Opitz Syndrome (3.3e-05 vs 0.0043), allowing no conclusion about variant significance. The variant, c.292C>T, has been reported in the literature in multiple individuals affected with Smith-Lemli-Opitz Syndrome (Cardoso_2005, Correa-Cerro_2005, Roullet_2012, Witsch-Baumgartner_2005, Lanthaler_2013, Eroglu_2017). These data indicate that the variant is very likely to be associated with disease. At least one publication reports experimental evidence evaluating an impact on protein function. The most pronounced variant effect results in <10% of normal activity. A ClinVar submission from a clinical diagnostic laboratory (evaluation after 2014) cites the variant as "pathogenic." Based on the evidence outlined above, the variant was classified as pathogenic.

Counsyl
Classification: Likely pathogenic for Smith-Lemli-Opitz syndrome. Last evaluated: 2014-03-14. Review status: no assertion criteria provided. Collection method: literature only. Allele origin: unknown. Inheritance: Autosomal recessive inheritance. Not counted in ClinVar's aggregate classification.

Literature cited by the submitters: PubMed 9634533 (cited by Labcorp Genetics (formerly Invitae), Labcorp); PubMed 10677299 (cited by Labcorp Genetics (formerly Invitae), Labcorp); PubMed 15776424 (cited by 5 submitters); PubMed 15805162 (cited by 5 submitters); PubMed 15979035 (cited by 4 submitters); PubMed 22929031 (cited by 3 submitters); PubMed 28349652 (cited by Ambry Genetics and Women's Health and Genetics/Laboratory Corporation of America, LabCorp); PubMed 22391996 (cited by Women's Health and Genetics/Laboratory Corporation of America, LabCorp).

NM_001360.3(DHCR7):c.292C>T (p.Gln98Ter)

Gene: DHCR7 (7-dehydrocholesterol reductase; minus strand). Cytogenetic location: 11q13.4.
Variant type: single nucleotide variant.
Coding change: c.292C>T on transcript NM_001360.3 (MANE Select); coding-DNA position 292, C replaced by T.
Protein change: p.Gln98Ter; replaces glutamine 98 with a stop codon.
Molecular consequence: nonsense.
Genome position (GRCh38, 1-based): chr11:71,444,022, G>A on the plus strand (C>T on the coding strand, the complement: DHCR7 is on the minus strand). VCF-style: chr11-71444022-G-A. GRCh37 (hg19) VCF-style: chr11-71155068-G-A.
Other names: c.292C>T, p.Gln98Ter (NM_001163817.2); short protein forms Q98*.
Identifiers: ClinVar variation 188723 (VCV000188723.27), dbSNP rs104886039, ClinGen allele CA273887.